The following is an entry in ClinVar:

NM_001379500.1(COL18A1):c.2404A>C (p.Lys802Gln)

Gene: COL18A1 (collagen type XVIII alpha 1 chain; plus strand). Cytogenetic location: 21q22.3.
Variant type: single nucleotide variant.
Coding change: c.2404A>C on transcript NM_001379500.1 (MANE Select); coding-DNA position 2404, A replaced by C.
Protein change: p.Lys802Gln; replaces lysine 802 with glutamine.
Molecular consequence: missense variant.
Genome position (GRCh38, 1-based): chr21:45,494,886, A>C. VCF-style: chr21-45494886-A-C. GRCh37 (hg19) VCF-style: chr21-46914800-A-C.
Other names: c.2944A>C, p.Lys982Gln (NM_030582.4); c.3649A>C, p.Lys1217Gln (NM_130444.3); short protein forms K1217Q, K802Q, K982Q.
Identifiers: ClinVar variation 2120664 (VCV002120664.4), dbSNP rs2517703534, ClinGen allele CA410497652.

ClinVar aggregate classification (germline): Uncertain significance (1 of 4 stars; one submission).

Submission:

Labcorp Genetics (formerly Invitae), Labcorp
Classification: Uncertain significance. Last evaluated: 2022-04-10. Review status: criteria provided, single submitter. Criteria: Invitae Variant Classification Sherloc (09022015). Collection method: clinical testing. Allele origin: germline.
Comment: This sequence change replaces lysine, which is basic and polar, with glutamine, which is neutral and polar, at codon 802 of the COL18A1 protein (p.Lys802Gln). This variant is not present in population databases (gnomAD no frequency). This variant has not been reported in the literature in individuals affected with COL18A1-related conditions. Experimental studies and prediction algorithms are not available or were not evaluated, and the functional significance of this variant is currently unknown. In summary, the available evidence is currently insufficient to determine the role of this variant in disease. Therefore, it has been classified as a Variant of Uncertain Significance.